The following is an entry in ClinVar:

ClinVar aggregate classification (germline): Uncertain significance. Review status: criteria provided, multiple submitters, no conflicts (2 of 4 stars). 2 submissions from 2 submitters: Uncertain significance (2). Last evaluated 2026-02-18.

Allele frequency attached by ClinVar (database versions not stated): gnomAD 0.00001; ExAC 0.00004; TOPMed 0.00002; gnomAD exomes 0.00002.
gnomAD v4.1: 31 of 1,613,656 alleles (0.0019%); highest among the groups gnomAD compares: Non-Finnish European, 0.0025%; no homozygotes.

Submissions (2):

GeneDx
Classification: Uncertain significance. Last evaluated: 2026-02-18. Review status: criteria provided, single submitter. Criteria: GeneDx Variant Classification Process June 2021. Collection method: clinical testing. Allele origin: germline.
Comment: Not observed at significant frequency in large population cohorts (gnomAD); In silico analysis supports that this missense variant has a deleterious effect on protein structure/function; Has not been previously published as pathogenic or benign to our knowledge

Labcorp Genetics (formerly Invitae), Labcorp
Classification: Uncertain significance. Last evaluated: 2022-08-16. Review status: criteria provided, single submitter. Criteria: Invitae Variant Classification Sherloc (09022015). Collection method: clinical testing. Allele origin: germline.
Comment: This sequence change replaces tyrosine, which is neutral and polar, with cysteine, which is neutral and slightly polar, at codon 598 of the CDH23 protein (p.Tyr598Cys). This variant is present in population databases (rs745639708, gnomAD 0.004%). This variant has not been reported in the literature in individuals affected with CDH23-related conditions. Algorithms developed to predict the effect of missense changes on protein structure and function are either unavailable or do not agree on the potential impact of this missense change (SIFT: "Deleterious"; PolyPhen-2: "Not Available"; Align-GVGD: "Class C65"). In summary, the available evidence is currently insufficient to determine the role of this variant in disease. Therefore, it has been classified as a Variant of Uncertain Significance.

NM_022124.6(CDH23):c.1793A>G (p.Tyr598Cys)

Gene: CDH23 (cadherin related 23; plus strand). Cytogenetic location: 10q22.1.
Variant type: single nucleotide variant.
Coding change: c.1793A>G on transcript NM_022124.6 (MANE Select); coding-DNA position 1793, A replaced by G.
Protein change: p.Tyr598Cys; replaces tyrosine 598 with cysteine.
Molecular consequence: missense variant.
Genome position (GRCh38, 1-based): chr10:71,679,427, A>G. VCF-style: chr10-71679427-A-G. GRCh37 (hg19) VCF-style: chr10-73439184-A-G.
Other names: c.1793A>G (NM_022124.5); c.1793A>G, p.Tyr598Cys (NM_001171930.2, NM_001171931.2); short protein forms Y598C.
Identifiers: ClinVar variation 2163117 (VCV002163117.3), dbSNP rs745639708, ClinGen allele CA5543965.